The following is an entry in ClinVar:

NM_001040142.2(SCN2A):c.1727G>T (p.Ser576Ile)

Gene: SCN2A (sodium voltage-gated channel alpha subunit 2; plus strand). Cytogenetic location: 2q24.3.
Variant type: single nucleotide variant.
Coding change: c.1727G>T on transcript NM_001040142.2 (MANE Select); coding-DNA position 1727, G replaced by T.
Protein change: p.Ser576Ile; replaces serine 576 with isoleucine.
Molecular consequence: missense variant.
Genome position (GRCh38, 1-based): chr2:165,323,211, G>T. VCF-style: chr2-165323211-G-T. GRCh37 (hg19) VCF-style: chr2-166179721-G-T.
Other names: c.1727G>T, p.Ser576Ile (NM_001040143.2, NM_001371246.1, NM_001371247.1 and 1 more transcripts); short protein forms S576I.
Identifiers: ClinVar variation 3362127 (VCV003362127.1).

ClinVar aggregate classification (germline): Uncertain significance (1 of 4 stars; one submission).

Submission:

GeneDx
Classification: Uncertain significance. Last evaluated: 2023-05-31. Review status: criteria provided, single submitter. Criteria: GeneDx Variant Classification Process June 2021. Collection method: clinical testing. Allele origin: germline. Affected: yes.
Comment: Not observed at significant frequency in large population cohorts (gnomAD); Missense variants in this gene are often considered pathogenic (HGMD); In silico analysis supports that this missense variant has a deleterious effect on protein structure/function; This substitution is predicted to be within the cytoplasmic loop between the first and second homologous domains; Has not been previously published as pathogenic or benign to our knowledge